The following is an entry in ClinVar:

ClinVar aggregate classification (germline): Uncertain significance. Review status: criteria provided, single submitter (1 of 4 stars). 4 submissions from 3 submitters: Uncertain significance (1). 3 of the submissions do not count toward it. Last evaluated 2021-08-01.

Conditions:
Combined oxidative phosphorylation defect type 21. Also called: Combined oxidative phosphorylation deficiency 21. Identifiers: Orphanet 420733, MedGen C4706316, MONDO:0014398, OMIM 615918.
Failure to thrive. Also called: Pediatric failure to thrive. Identifiers: MedGen C2315100, HP:0001508.
Spastic hemiparesis. Also called: Spastic hemiplegia. Identifiers: MedGen C0154694, MONDO:0001168, HP:0011099.
Congenital blindness. Identifiers: MedGen C0005754, HP:0007875.

Allele frequency attached by ClinVar (database versions not stated): ExAC 0.00001; gnomAD exomes 0.00001 and 0.00004; gnomAD 0.00002; TOPMed 0.00003.
gnomAD v4.1: 55 of 1,613,998 alleles (0.0034%); highest among the groups gnomAD compares: Non-Finnish European, 0.0043%; no homozygotes.

Submissions (4):

Department of Clinical Genetics, Copenhagen University Hospital, Rigshospitalet
Classification: Uncertain significance for Spastic hemiparesis; Failure to thrive; Congenital blindness. Last evaluated: 2021-08-01. Review status: criteria provided, single submitter. Criteria: ACMG Guidelines, 2015. Collection method: clinical testing. Allele origin: inherited. Affected: yes.

OMIM
Classification: Pathogenic for COMBINED OXIDATIVE PHOSPHORYLATION DEFICIENCY 21. Last evaluated: 2024-04-01. Review status: no assertion criteria provided. Collection method: literature only. Allele origin: germline. Not counted in ClinVar's aggregate classification.

Department of Clinical Genetics, Copenhagen University Hospital, Rigshospitalet
Classification: Likely pathogenic for Combined oxidative phosphorylation defect type 21. Review status: no assertion criteria provided. Collection method: clinical testing. Allele origin: inherited. Affected: yes. Not counted in ClinVar's aggregate classification.

Houlden Lab, UCL Institute of Neurology
Classification: Pathogenic for Combined oxidative phosphorylation defect type 21. Review status: no assertion criteria provided. Collection method: research. Allele origin: germline. Affected: yes. Not counted in ClinVar's aggregate classification.
Comment: This variant was identified in a compound heterozygous state with another TARS2 variant (c.1318G>A) for this condition.

Literature cited by the submitters: PubMed 34508595 (cited by OMIM).

NM_025150.5(TARS2):c.968T>G (p.Phe323Cys)

Gene: TARS2 (threonyl-tRNA synthetase 2, mitochondrial; plus strand). Cytogenetic location: 1q21.2.
Variant type: single nucleotide variant.
Coding change: c.968T>G on transcript NM_025150.5 (MANE Select); coding-DNA position 968, T replaced by G.
Protein change: p.Phe323Cys; replaces phenylalanine 323 with cysteine.
Molecular consequence: missense variant. On other transcripts: non-coding transcript variant (1), intron variant (2).
Genome position (GRCh38, 1-based): chr1:150,496,856, T>G. VCF-style: chr1-150496856-T-G. GRCh37 (hg19) VCF-style: chr1-150469332-T-G.
Other names: p.Phe323Cys; c.775-674T>G (NM_001271895.2); c.631-674T>G (NM_001271896.2); short protein forms F323C.
Identifiers: ClinVar variation 1174006 (VCV001174006.31), dbSNP rs760208518, ClinGen allele CA1076869.